The following is an entry in ClinVar:

ClinVar aggregate classification (germline): Benign/Likely benign. Review status: criteria provided, multiple submitters, no conflicts (2 of 4 stars). 17 submissions from 16 submitters: Benign (7); Likely benign (5). 5 of the submissions do not count toward it. Last evaluated 2026-09-01.

Conditions:
Glycogen storage disease IV, classic hepatic. Also called: GSD IV, CLASSIC HEPATIC. Identifiers: MedGen C1856301.
Glycogen storage disease, type IV (GSD4). Also called: Glycogen storage disease due to glycogen branching enzyme deficiency; AMYLOPECTINOSIS; ANDERSEN DISEASE; BRANCHER DEFICIENCY; CIRRHOSIS, FAMILIAL, WITH DEPOSITION OF ABNORMAL GLYCOGEN; GBE1 DEFICIENCY. Identifiers: Orphanet 367, MedGen C0017923, MONDO:0009292, OMIM 232500.
GBE1-related disorder. Also called: GBE1-related disorders; GBE1-related condition. Identifiers: MedGen CN239402.
Adult polyglucosan body disease (APBN). Also called: POLYGLUCOSAN BODY DISEASE, ADULT FORM; GBE1-Adult Polyglucosan Body Disease. Identifiers: Orphanet 206583, MedGen C1849722, MONDO:0009897, OMIM 263570.

Allele frequency attached by ClinVar (database versions not stated): ExAC 0.00235; gnomAD exomes 0.00253; ESP Exome Variant Server 0.00461; 1000 Genomes Project 30x 0.00468; 1000 Genomes Project 0.00519; gnomAD 0.00544 and 0.00569; TOPMed 0.00637.
gnomAD v4.1: 2,824 of 1,612,950 alleles (0.18%); highest among the groups gnomAD compares: African/African-American, 1.5%; 26 homozygotes.

Submissions (17):

CeGaT Center for Human Genetics Tuebingen
Classification: Benign. Last evaluated: 2026-09-01. Review status: criteria provided, single submitter. Criteria: CeGaT Center For Human Genetics Tuebingen Variant Classification Criteria Version 2. Collection method: clinical testing. Allele origin: germline. Affected: yes. Observed: 4 variant alleles.
Comment: GBE1: BS1, BS2

Labcorp Genetics (formerly Invitae), Labcorp
Classification: Benign for Glycogen storage disease, type IV; Glycogen storage disease IV, classic hepatic. Last evaluated: 2026-02-02. Review status: criteria provided, single submitter. Criteria: Invitae Variant Classification Sherloc (09022015). Collection method: clinical testing. Allele origin: germline.

Genomic Medicine Center of Excellence, King Faisal Specialist Hospital and Research Centre
Classification: Likely benign. Last evaluated: 2025-08-18. Review status: criteria provided, single submitter. Criteria: ACMG Guidelines, 2015. Collection method: clinical testing. Allele origin: germline.

ARUP Laboratories, Molecular Genetics and Genomics, ARUP Laboratories
Classification: Likely benign. Last evaluated: 2023-11-22. Review status: criteria provided, single submitter. Criteria: ARUP Molecular Germline Variant Investigation Process 2024. Collection method: clinical testing. Allele origin: germline.

Mayo Clinic Laboratories, Mayo Clinic
Classification: Benign. Last evaluated: 2022-06-24. Review status: criteria provided, single submitter. Criteria: ACMG Guidelines, 2015. Collection method: clinical testing. Allele origin: germline. Observed: 19 variant alleles.
Comment: BA1, BP4

Women's Health and Genetics/Laboratory Corporation of America, LabCorp
Classification: Likely benign. Last evaluated: 2022-02-17. Review status: criteria provided, single submitter. Criteria: LabCorp Variant Classification Summary - May 2015. Collection method: clinical testing. Allele origin: germline.

Fulgent Genetics
Classification: Likely benign for Glycogen storage disease, type IV; Adult polyglucosan body disease. Last evaluated: 2021-07-23. Review status: criteria provided, single submitter. Criteria: ACMG Guidelines, 2015. Collection method: clinical testing. Allele origin: unknown.

GeneDx
Classification: Benign. Last evaluated: 2020-06-15. Review status: criteria provided, single submitter. Criteria: GeneDx Variant Classification Process June 2021. Collection method: clinical testing. Allele origin: germline. Affected: yes.
Comment: This variant is associated with the following publications: (PMID: 27790088, 26670585, 25133958, 31692161)

Centre for Mendelian Genomics, University Medical Centre Ljubljana
Classification: Benign for Glycogen storage disease, type IV. Last evaluated: 2018-10-29. Review status: criteria provided, single submitter. Criteria: ACMG Guidelines, 2015. Collection method: clinical testing. Allele origin: unknown. Affected: yes.
Comment: This variant was classified as: Benign. The following ACMG criteria were applied in classifying this variant: BS1,BS2.

Illumina Laboratory Services, Illumina
Classification: Benign for Adult polyglucosan body disease. Last evaluated: 2017-04-27. Review status: criteria provided, single submitter. Criteria: ICSL Variant Classification Criteria 13 December 2019. Collection method: clinical testing. Allele origin: germline.
Comment: This variant was observed as part of a predisposition screen in an ostensibly healthy population. A literature search was performed for the gene, cDNA change, and amino acid change (where applicable). Publications were found based on this search. The evidence from the literature, in combination with allele frequency data from public databases where available, was sufficient to rule this variant out of causing disease. Therefore, this variant is classified as benign.

Illumina Laboratory Services, Illumina
Classification: Benign for Glycogen storage disease, type IV. Last evaluated: 2017-04-27. Review status: criteria provided, single submitter. Criteria: ICSL Variant Classification Criteria 13 December 2019. Collection method: clinical testing. Allele origin: germline.
Comment: the same text as in the submission from Illumina Laboratory Services, Illumina above.

Breakthrough Genomics
Classification: Likely benign. Review status: criteria provided, single submitter. Criteria: ACMG Guidelines, 2015. Collection method: not provided. Allele origin: germline. Inheritance: Autosomal recessive inheritance. Affected: yes.

PreventionGenetics, part of Exact Sciences
Classification: Benign for GBE1-related condition. Last evaluated: 2024-06-21. Review status: no assertion criteria provided. Collection method: clinical testing. Allele origin: germline. Not counted in ClinVar's aggregate classification.
Comment: This variant is classified as benign based on ACMG/AMP sequence variant interpretation guidelines (Richards et al. 2015 PMID: 25741868, with internal and published modifications).

Natera, Inc.
Classification: Likely benign for Glycogen storage disease type IV. Last evaluated: 2019-11-11. Review status: no assertion criteria provided. Collection method: clinical testing. Allele origin: germline. Not counted in ClinVar's aggregate classification.

Counsyl
Classification: Likely benign for Glycogen storage disease, type IV. Last evaluated: 2017-03-06. Review status: no assertion criteria provided. Collection method: clinical testing. Allele origin: unknown. Not counted in ClinVar's aggregate classification.

Diagnostic Laboratory, Department of Genetics, University Medical Center Groningen
Classification: Benign. Review status: no assertion criteria provided. Collection method: clinical testing. Allele origin: germline. Affected: yes. Study: VKGL Data-share Consensus. Not counted in ClinVar's aggregate classification.

Laboratory of Diagnostic Genome Analysis, Leiden University Medical Center (LUMC)
Classification: Likely benign. Review status: no assertion criteria provided. Collection method: clinical testing. Allele origin: germline. Affected: yes. Study: VKGL Data-share Consensus. Not counted in ClinVar's aggregate classification.

Literature cited by the submitters: PubMed 25133958 (cited by Illumina Laboratory Services, Illumina).

NM_000158.4(GBE1):c.118C>A (p.Pro40Thr)

Gene: GBE1 (1,4-alpha-glucan branching enzyme 1; minus strand). Cytogenetic location: 3p12.2.
Variant type: single nucleotide variant.
Coding change: c.118C>A on transcript NM_000158.4 (MANE Select); coding-DNA position 118, C replaced by A.
Protein change: p.Pro40Thr; replaces proline 40 with threonine.
Molecular consequence: missense variant.
Genome position (GRCh38, 1-based): chr3:81,761,400, G>T on the plus strand (C>A on the coding strand, the complement: GBE1 is on the minus strand). VCF-style: chr3-81761400-G-T. GRCh37 (hg19) VCF-style: chr3-81810551-G-T.
Other names: p.Pro40Thr; short protein forms P40T.
Identifiers: ClinVar variation 255381 (VCV000255381.64), dbSNP rs35196441, ClinGen allele CA2500086.